The following is an entry in ClinVar:

NM_001378452.1(ITPR1):c.1497C>T (p.Phe499=)

Gene: ITPR1 (inositol 1,4,5-trisphosphate receptor type 1; plus strand). Cytogenetic location: 3p26.1.
Variant type: single nucleotide variant.
Coding change: c.1497C>T on transcript NM_001378452.1 (MANE Select); coding-DNA position 1497, C replaced by T.
Protein change: p.Phe499=; no amino-acid change (phenylalanine 499 retained).
Molecular consequence: synonymous variant.
Genome position (GRCh38, 1-based): chr3:4,663,149, C>T. VCF-style: chr3-4663149-C-T. GRCh37 (hg19) VCF-style: chr3-4704833-C-T.
Other names: c.1497C>T, p.Phe499= (NM_001099952.4); c.1452C>T, p.Phe484= (NM_001168272.2, NM_002222.7).
Identifiers: ClinVar variation 345685 (VCV000345685.8), dbSNP rs778521012, ClinGen allele CA2231201.

ClinVar aggregate classification (germline): Benign/Likely benign. Review status: criteria provided, multiple submitters, no conflicts (2 of 4 stars). 3 submissions from 3 submitters: Benign (1); Likely benign (2). Last evaluated 2026-01-24.

Conditions:
Autosomal dominant cerebellar ataxia. Also called: Spinocerebellar Ataxia, Dominant. Identifiers: Orphanet 99, MedGen C4087347, MONDO:0020380.

Allele frequency attached by ClinVar (database versions not stated): gnomAD 0.00001 and 0.00003; TOPMed 0.00001; gnomAD exomes 0.00003 and 0.00007; ExAC 0.00009.
gnomAD v4.1: 52 of 1,613,700 alleles (0.0032%); highest among the groups gnomAD compares: South Asian, 0.052%; no homozygotes.

Submissions (3):

Labcorp Genetics (formerly Invitae), Labcorp
Classification: Likely benign. Last evaluated: 2026-01-24. Review status: criteria provided, single submitter. Criteria: Invitae Variant Classification Sherloc (09022015). Collection method: clinical testing. Allele origin: germline.

Athena Diagnostics
Classification: Benign. Last evaluated: 2019-04-12. Review status: criteria provided, single submitter. Criteria: Athena Diagnostics Criteria. Collection method: clinical testing. Allele origin: germline.

Illumina Laboratory Services, Illumina
Classification: Likely benign for Spinocerebellar Ataxia, Dominant. Last evaluated: 2018-01-13. Review status: criteria provided, single submitter. Criteria: ICSL Variant Classification Criteria 13 December 2019. Collection method: clinical testing. Allele origin: germline.
Comment: This variant was observed in the ICSL laboratory as part of a predisposition screen in an ostensibly healthy population. It had not been previously curated by ICSL or reported in the Human Gene Mutation Database (HGMD: prior to June 1st, 2018), and was therefore a candidate for classification through an automated scoring system. Utilizing variant allele frequency, disease prevalence and penetrance estimates, and inheritance mode, an automated score was calculated to assess if this variant is too frequent to cause the disease. Based on the score and internal cut-off values, a variant classified as likely benign is not then subjected to further curation. The score for this variant resulted in a classification of likely benign for this disease.